The following is an entry in ClinVar:

NM_001079802.2(FKTN):c.89A>G (p.His30Arg)

Gene: FKTN (fukutin; plus strand). Cytogenetic location: 9q31.2.
Variant type: single nucleotide variant.
Coding change: c.89A>G on transcript NM_001079802.2 (MANE Select); coding-DNA position 89, A replaced by G.
Protein change: p.His30Arg; replaces histidine 30 with arginine.
Molecular consequence: missense variant. On other transcripts: 5 prime UTR variant (5), non-coding transcript variant (2).
Genome position (GRCh38, 1-based): chr9:105,575,121, A>G. VCF-style: chr9-105575121-A-G. GRCh37 (hg19) VCF-style: chr9-108337402-A-G.
Other names: c.89A>G, p.His30Arg (NM_001198963.2, NM_001351496.2, NM_001351498.2 and 1 more transcripts); c.-79A>G (NM_001351497.2); c.-426A>G (NM_001351499.2, NM_001351500.2, NM_001351501.2 and 1 more transcripts); short protein forms H30R.
Identifiers: ClinVar variation 1765394 (VCV001765394.2), dbSNP rs1054946778, ClinGen allele CA197413119.
Genomic context (GRCh38, chr9:105,575,121, plus strand): 5'-TGGCCCTTTTAACGCTGACAAGTTCTGCATTTCTGCTGTTTCAGTTGTACTACTACAAGC[A>G]CTATTTATCAACAAAGGTAATTTTATTCCTTCTTTCTTATCATTCCTCCTTTCTTATCAT-3'
Protein context (NP_001073270.1, residues 20-40): FLLFQLYYYK[His30Arg]YLSTKNGAGL

ClinVar aggregate classification (germline): Uncertain significance (1 of 4 stars; one submission).

Conditions:
Cardiovascular phenotype. Identifiers: MedGen CN230736.

Submission:

Ambry Genetics
Classification: Uncertain significance for Cardiovascular phenotype. Last evaluated: 2022-09-08. Review status: criteria provided, single submitter. Criteria: Ambry Variant Classification Scheme 2023. Collection method: clinical testing. Allele origin: germline.
Comment: The p.H30R variant (also known as c.89A>G), located in coding exon 1 of the FKTN gene, results from an A to G substitution at nucleotide position 89. The histidine at codon 30 is replaced by arginine, an amino acid with highly similar properties. This amino acid position is conserved. In addition, the in silico prediction for this alteration is inconclusive. Since supporting evidence is limited at this time, the clinical significance of this alteration remains unclear.